The following is an entry in ClinVar:

NM_004525.3(LRP2):c.8711G>A (p.Arg2904Gln)

Gene: LRP2 (LDL receptor related protein 2; minus strand). Cytogenetic location: 2q31.1.
Variant type: single nucleotide variant.
Coding change: c.8711G>A on transcript NM_004525.3 (MANE Select); coding-DNA position 8711, G replaced by A.
Protein change: p.Arg2904Gln; replaces arginine 2904 with glutamine.
Molecular consequence: missense variant.
Genome position (GRCh38, 1-based): chr2:169,193,880, C>T on the plus strand (G>A on the coding strand, the complement: LRP2 is on the minus strand). VCF-style: chr2-169193880-C-T. GRCh37 (hg19) VCF-style: chr2-170050390-C-T.
Other names: short protein forms R2904Q.
Identifiers: ClinVar variation 1437044 (VCV001437044.5), dbSNP rs1412903060, ClinGen allele CA349160767.

ClinVar aggregate classification (germline): Uncertain significance (1 of 4 stars; one submission).

Allele frequency attached by ClinVar (database versions not stated): gnomAD exomes below 0.00001.
gnomAD v4.1: 1 of 1,614,116 alleles (0.000062%); highest among the groups gnomAD compares: Non-Finnish European, 0.000085%; no homozygotes.

Submission:

Labcorp Genetics (formerly Invitae), Labcorp
Classification: Uncertain significance. Last evaluated: 2021-08-27. Review status: criteria provided, single submitter. Criteria: Invitae Variant Classification Sherloc (09022015). Collection method: clinical testing. Allele origin: germline.
Comment: This sequence change replaces arginine with glutamine at codon 2904 of the LRP2 protein (p.Arg2904Gln). The arginine residue is moderately conserved and there is a small physicochemical difference between arginine and glutamine. This variant is not present in population databases (ExAC no frequency). This variant has not been reported in the literature in individuals affected with LRP2-related conditions. Advanced modeling of protein sequence and biophysical properties (such as structural, functional, and spatial information, amino acid conservation, physicochemical variation, residue mobility, and thermodynamic stability) performed at Invitae indicates that this missense variant is not expected to disrupt LRP2 protein function. In summary, the available evidence is currently insufficient to determine the role of this variant in disease. Therefore, it has been classified as a Variant of Uncertain Significance.